The following is an entry in ClinVar:

NM_001111.5(ADAR):c.1469G>A (p.Cys490Tyr)

Gene: ADAR (adenosine deaminase RNA specific; minus strand). Cytogenetic location: 1q21.3.
Variant type: single nucleotide variant.
Coding change: c.1469G>A on transcript NM_001111.5 (MANE Select); coding-DNA position 1469, G replaced by A.
Protein change: p.Cys490Tyr; replaces cysteine 490 with tyrosine.
Molecular consequence: missense variant.
Genome position (GRCh38, 1-based): chr1:154,601,173, C>T on the plus strand (G>A on the coding strand, the complement: ADAR is on the minus strand). VCF-style: chr1-154601173-C-T. GRCh37 (hg19) VCF-style: chr1-154573649-C-T.
Other names: c.584G>A, p.Cys195Tyr (NM_001025107.3, NM_001193495.2, NM_001365046.1 and 3 more transcripts); c.1496G>A, p.Cys499Tyr (NM_001365045.1); c.1469G>A, p.Cys490Tyr (NM_015840.4, NM_015841.4); short protein forms C499Y, C490Y, C195Y.
Identifiers: ClinVar variation 4783453 (VCV004783453.1).

ClinVar aggregate classification (germline): Uncertain significance (1 of 4 stars; one submission).

Conditions:
Aicardi-Goutieres syndrome 6 (AGS6). Identifiers: Orphanet 51, MedGen C3539013, MONDO:0014007, OMIM 615010.
Symmetrical dyschromatosis of extremities (DSH). Also called: Dyschromatosis symmetrica hereditaria; DYSCHROMATOSIS SYMMETRICA HEREDITARIA 1; RETICULATE ACROPIGMENTATION OF DOHI; SYMMETRIC DYSCHROMATOSIS OF THE EXTREMITIES. Identifiers: Orphanet 41, MedGen C0406775, MONDO:0007483, OMIM 127400.

gnomAD v4.1: 1 of 1,614,200 alleles (0.000062%); highest among the groups gnomAD compares: Non-Finnish European, 0.000085%; no homozygotes.

Submission:

Labcorp Genetics (formerly Invitae), Labcorp
Classification: Uncertain significance for Aicardi-Goutieres syndrome 6; Symmetrical dyschromatosis of extremities. Last evaluated: 2025-05-19. Review status: criteria provided, single submitter. Criteria: Invitae Variant Classification Sherloc (09022015). Collection method: clinical testing. Allele origin: germline.
Comment: This sequence change replaces cysteine, which is neutral and slightly polar, with tyrosine, which is neutral and polar, at codon 490 of the ADAR protein (p.Cys490Tyr). This variant is not present in population databases (gnomAD no frequency). This variant has not been reported in the literature in individuals affected with ADAR-related conditions. Invitae Evidence Modeling of protein sequence and biophysical properties (such as structural, functional, and spatial information, amino acid conservation, physicochemical variation, residue mobility, and thermodynamic stability) indicates that this missense variant is not expected to disrupt ADAR protein function with a negative predictive value of 80%. In summary, the available evidence is currently insufficient to determine the role of this variant in disease. Therefore, it has been classified as a Variant of Uncertain Significance.